The following is an entry in ClinVar:

NM_001080517.3(SETD5):c.2493A>C (p.Leu831Phe)

Gene: SETD5 (SET domain containing 5; plus strand). Cytogenetic location: 3p25.3.
Variant type: single nucleotide variant.
Coding change: c.2493A>C on transcript NM_001080517.3 (MANE Select); coding-DNA position 2493, A replaced by C.
Protein change: p.Leu831Phe; replaces leucine 831 with phenylalanine.
Molecular consequence: missense variant.
Genome position (GRCh38, 1-based): chr3:9,464,441, A>C. VCF-style: chr3-9464441-A-C. GRCh37 (hg19) VCF-style: chr3-9506125-A-C.
Other names: c.2199A>C, p.Leu733Phe (NM_001292043.2, NM_001349451.2); short protein forms L733F, L831F.
Identifiers: ClinVar variation 1702597 (VCV001702597.2), dbSNP rs1174849805, ClinGen allele CA351707388.

ClinVar aggregate classification (germline): Uncertain significance (1 of 4 stars; one submission).

Allele frequency attached by ClinVar (database versions not stated): gnomAD 0.00001.
gnomAD v4.1: 1 of 1,611,386 alleles (0.000062%); highest among the groups gnomAD compares: African/African-American, 0.0013%; no homozygotes.

Submission:

GeneDx
Classification: Uncertain significance. Last evaluated: 2022-02-22. Review status: criteria provided, single submitter. Criteria: GeneDx Variant Classification Process June 2021. Collection method: clinical testing. Allele origin: germline. Affected: yes.
Comment: Not observed at significant frequency in large population cohorts (gnomAD); In silico analysis supports that this missense variant does not alter protein structure/function; Has not been previously published as pathogenic or benign to our knowledge